The following is an entry in ClinVar:

NM_001170629.2(CHD8):c.3792G>C (p.Glu1264Asp)

Gene: CHD8 (chromodomain helicase DNA binding protein 8; minus strand). Cytogenetic location: 14q11.2.
Variant type: single nucleotide variant.
Coding change: c.3792G>C on transcript NM_001170629.2 (MANE Select); coding-DNA position 3792, G replaced by C.
Protein change: p.Glu1264Asp; replaces glutamic acid 1264 with aspartic acid.
Molecular consequence: missense variant.
Genome position (GRCh38, 1-based): chr14:21,402,426, C>G on the plus strand (G>C on the coding strand, the complement: CHD8 is on the minus strand). VCF-style: chr14-21402426-C-G. GRCh37 (hg19) VCF-style: chr14-21870585-C-G.
Other names: c.2955G>C, p.Glu985Asp (NM_020920.4); short protein forms E1264D, E985D.
Identifiers: ClinVar variation 2636457 (VCV002636457.1), dbSNP rs1888076504, ClinGen allele CA388898886.
Genomic context (GRCh38, chr14:21,402,426, plus strand): 5'-GGATTGAAGCACAGCCTTATCCAACCCCAACTTGAGGCTGGCCTTATCAAACATCTCTCT[C>G]TCGTAGGAATTACGAGTGATGAGGCGGTACACCTTCACAGCTTTGCTCTGCCCAATTCGA-3'
Protein context (NP_001164100.1, residues 1254-1274): VYRLITRNSY[Glu1264Asp]REMFDKASLK

ClinVar aggregate classification (germline): Uncertain significance (1 of 4 stars; one submission).

Conditions:
CHD8-related disorder. Also called: CHD8-related condition; CHD8-related disorders.

Submission:

PreventionGenetics, part of Exact Sciences
Classification: Uncertain significance for CHD8-related condition. Last evaluated: 2022-08-29. Review status: criteria provided, single submitter. Criteria: ACMG Guidelines, 2015. Collection method: clinical testing. Allele origin: germline.
Comment: The CHD8 c.3792G>C variant is predicted to result in the amino acid substitution p.Glu1264Asp. To our knowledge, this variant has not been reported in the literature or in a large population database, indicating this variant is rare. At this time, the clinical significance of this variant is uncertain due to the absence of conclusive functional and genetic evidence.